The following is an entry in ClinVar:

NM_000487.6(ARSA):c.208_209del (p.Leu70fs)

Gene: ARSA (arylsulfatase A; minus strand). Cytogenetic location: 22q13.33.
Variant type: Microsatellite.
Coding change: c.208_209del on transcript NM_000487.6 (MANE Select); coding-DNA positions 208 to 209, 2 bases deleted (CT; older notation c.208_209delCT).
Protein change: p.Leu70fs; shifts the reading frame from leucine 70.
Molecular consequence: frameshift variant. On other transcripts: intron variant (2).
Genome position (GRCh38, 1-based): chr22:50,627,571-50,627,572, AG deleted on the plus strand (CT on the coding strand, the reverse complement: ARSA is on the minus strand); deleting any 2 consecutive bases within chr22:50,627,571-50,627,575 gives the same sequence; the c. name uses the placement nearest the transcript's 3' end. VCF-style (leftmost placement, unchanged base first): chr22-50627570-CAG-C. GRCh37 (hg19) VCF-style: chr22-51065998-CAG-C.
Other names: c.208_209del, p.Leu70fs (NM_001085425.3, NM_001085426.3, NM_001085427.3); c.-34-166_-34-165del (NM_001362782.2, NM_001085428.3); short protein forms L70fs.
Identifiers: ClinVar variation 1323434 (VCV001323434.5), dbSNP rs1555901112, ClinGen allele CA2580615340.

ClinVar aggregate classification (germline): Pathogenic. Review status: criteria provided, multiple submitters, no conflicts (2 of 4 stars). 2 submissions from 2 submitters: Pathogenic (2). Last evaluated 2025-05-26.

Conditions:
Metachromatic leukodystrophy (MLD). Also called: Cerebral sclerosis diffuse metachromatic form; METACHROMATIC LEUKOENCEPHALOPATHY; Arylsulfatase A Deficiency; ARSA DEFICIENCY; CEREBROSIDE SULFATASE DEFICIENCY; SULFATIDE LIPIDOSIS. Identifiers: Orphanet 512, MedGen C0023522, MONDO:0018868, OMIM 250100.

Submissions (2):

Labcorp Genetics (formerly Invitae), Labcorp
Classification: Pathogenic for Metachromatic leukodystrophy. Last evaluated: 2025-05-26. Review status: criteria provided, single submitter. Criteria: Invitae Variant Classification Sherloc (09022015). Collection method: clinical testing. Allele origin: germline.
Comment: This sequence change creates a premature translational stop signal (p.Leu70Valfs*5) in the ARSA gene. It is expected to result in an absent or disrupted protein product. Loss-of-function variants in ARSA are known to be pathogenic (PMID: 8962139, 10477432). This variant is not present in population databases (gnomAD no frequency). This variant has not been reported in the literature in individuals affected with ARSA-related conditions. ClinVar contains an entry for this variant (Variation ID: 1323434). For these reasons, this variant has been classified as Pathogenic.

Revvity Omics, Revvity
Classification: Pathogenic for Metachromatic leukodystrophy. Last evaluated: 2020-10-26. Review status: criteria provided, single submitter. Criteria: ACMG Guidelines, 2015. Collection method: clinical testing. Allele origin: germline.

Literature cited by the submitters: PubMed 8962139 (cited by Labcorp Genetics (formerly Invitae), Labcorp); PubMed 10477432 (cited by Labcorp Genetics (formerly Invitae), Labcorp).